The following is an entry in ClinVar:

NM_022047.4(DEF6):c.1847C>T (p.Pro616Leu)

Gene: DEF6 (DEF6 guanine nucleotide exchange factor; plus strand). Cytogenetic location: 6p21.31.
Variant type: single nucleotide variant.
Coding change: c.1847C>T on transcript NM_022047.4 (MANE Select); coding-DNA position 1847, C replaced by T.
Protein change: p.Pro616Leu; replaces proline 616 with leucine.
Molecular consequence: missense variant.
Genome position (GRCh38, 1-based): chr6:35,321,361, C>T. VCF-style: chr6-35321361-C-T. GRCh37 (hg19) VCF-style: chr6-35289138-C-T.
Other names: c.1847C>T (NM_022047.3); short protein forms P616L.
Identifiers: ClinVar variation 1525527 (VCV001525527.9), dbSNP rs139752766, ClinGen allele CA3771025.

ClinVar aggregate classification (germline): Uncertain significance. Review status: criteria provided, multiple submitters, no conflicts (2 of 4 stars). 2 submissions from 2 submitters: Uncertain significance (2). Last evaluated 2024-10-16.

Allele frequency attached by ClinVar (database versions not stated): gnomAD exomes 0.00006; TOPMed 0.00006; gnomAD 0.00007; ExAC 0.00009; ESP Exome Variant Server 0.00015.
gnomAD v4.1: 96 of 1,613,984 alleles (0.0059%); highest among the groups gnomAD compares: Admixed American, 0.013%; 1 homozygote.

Submissions (2):

Labcorp Genetics (formerly Invitae), Labcorp
Classification: Uncertain significance. Last evaluated: 2024-10-16. Review status: criteria provided, single submitter. Criteria: Invitae Variant Classification Sherloc (09022015). Collection method: clinical testing. Allele origin: germline.
Comment: This sequence change replaces proline, which is neutral and non-polar, with leucine, which is neutral and non-polar, at codon 616 of the DEF6 protein (p.Pro616Leu). This variant is present in population databases (rs139752766, gnomAD 0.02%). This variant has not been reported in the literature in individuals affected with DEF6-related conditions. ClinVar contains an entry for this variant (Variation ID: 1525527). An algorithm developed to predict the effect of missense changes on protein structure and function outputs the following: PolyPhen-2: "Not Available". The leucine amino acid residue is found in multiple mammalian species, which suggests that this missense change does not adversely affect protein function. In summary, the available evidence is currently insufficient to determine the role of this variant in disease. Therefore, it has been classified as a Variant of Uncertain Significance.

Ambry Genetics
Classification: Uncertain significance. Last evaluated: 2024-09-24. Review status: criteria provided, single submitter. Criteria: Ambry Variant Classification Scheme 2023. Collection method: clinical testing. Allele origin: germline.